The following is an entry in ClinVar:

ClinVar aggregate classification (germline): Uncertain significance (1 of 4 stars; one submission).

Conditions:
Developmental and epileptic encephalopathy, 16 (DEE16). Also called: Early infantile epileptic encephalopathy 16; TBC1D24-Related Developmental and Epileptic Encephalopathy (DEE). Identifiers: Orphanet 293181, Orphanet 352596, MedGen C3809173, MONDO:0014133, OMIM 615338.

Submission:

3billion
Classification: Uncertain significance for Developmental and epileptic encephalopathy, 16. Last evaluated: 2024-11-27. Review status: criteria provided, single submitter. Criteria: ACMG Guidelines, 2015. Collection method: clinical testing. Allele origin: germline. Affected: yes.
Comment: The variant is observed at an extremely low frequency in the gnomAD v4.1.0 dataset (total allele frequency: <0.001%). Predicted Consequence/Location: Canonical splice site: predicted to alter splicing and result in a loss or disruption of normal protein function. Multiple pathogenic loss-of-function variants are reported downstream of the variant. In silico tools predict the variant to alter splicing and produce an abnormal transcript [SpliceAI: 0.40 (spliceogenicity >=0.2, non-spliceogenicity <0.1)]. The variant has been reported at least twice as pathogenic without evidence for the classification (ClinVar ID: VCV001029242 /3billion dataset). Therefore, this variant is classified as Pathogenic according to the recommendation of ACMG/AMP guideline.

NM_001199107.2(TBC1D24):c.-116+7643A>G

Gene: TBC1D24 (TBC1 domain family member 24; plus strand). Cytogenetic location: 16p13.3.
Variant type: single nucleotide variant.
Coding change: c.-116+7643A>G on transcript NM_001199107.2 (MANE Select); 7643 bases into the intron after 116 bases upstream of the start codon, A replaced by G.
Molecular consequence: intron variant.
Genome position (GRCh38, 1-based): chr16:2,482,813, A>G. VCF-style: chr16-2482813-A-G. GRCh37 (hg19) VCF-style: chr16-2532814-A-G.
Other names: c.-116+7643A>G (NM_020705.3).
Identifiers: ClinVar variation 4293688 (VCV004293688.1).